The following is an entry in ClinVar:

NM_000548.5(TSC2):c.2755A>G (p.Asn919Asp)

Gene: TSC2 (TSC complex subunit 2; plus strand). Cytogenetic location: 16p13.3.
Variant type: single nucleotide variant.
Coding change: c.2755A>G on transcript NM_000548.5 (MANE Select); coding-DNA position 2755, A replaced by G.
Protein change: p.Asn919Asp; replaces asparagine 919 with aspartic acid.
Molecular consequence: missense variant. On other transcripts: non-coding transcript variant (5).
Genome position (GRCh38, 1-based): chr16:2,076,503, A>G. VCF-style: chr16-2076503-A-G. GRCh37 (hg19) VCF-style: chr16-2126504-A-G.
Other names: c.2755A>G, p.Asn919Asp (NM_021055.3, NM_001077183.3, NM_001114382.3 and 6 more transcripts); c.2644A>G, p.Asn882Asp (NM_001318827.2, NM_001406670.1, NM_001406678.1); c.2608A>G, p.Asn870Asp (NM_001318829.2, NM_001406675.1, NM_001406676.1 and 1 more transcripts); c.2155A>G, p.Asn719Asp (NM_001318831.2, NM_001406680.1, NM_001406682.1 and 6 more transcripts); c.2788A>G, p.Asn930Asp (NM_001318832.2); c.2845A>G, p.Asn949Asp (NM_001406667.1, NM_001406668.1); c.2743A>G, p.Asn915Asp (NM_001406671.1, NM_001406673.1); c.2698A>G, p.Asn900Asp (NM_001406677.1); and 3 more; short protein forms N765D, N882D, N915D, N930D, N719D, N919D, N949D, N900D.
Identifiers: ClinVar variation 2624599 (VCV002624599.7), dbSNP rs2089403036, ClinGen allele CA394279814.

ClinVar aggregate classification (germline): Uncertain significance. Review status: criteria provided, multiple submitters, no conflicts (2 of 4 stars). 3 submissions from 3 submitters: Uncertain significance (3). Last evaluated 2025-10-11.

Conditions:
Tuberous sclerosis 2 (TSC2). Identifiers: Orphanet 805, MedGen C1860707, MONDO:0013199, OMIM 613254.
Hereditary cancer-predisposing syndrome. Also called: Tumor predisposition; Neoplastic Syndromes, Hereditary; Hereditary Cancer Syndrome; Hereditary neoplastic syndrome. Identifiers: Orphanet 140162, MedGen C0027672, MeSH D009386, MONDO:0015356.
Isolated focal cortical dysplasia type II (FCORD2). Also called: Focal cortical dysplasia type II; CORTICAL DYSPLASIA OF TAYLOR. Identifiers: Orphanet 268994, MedGen C1846385, MONDO:0011818, OMIM 607341, HP:0032051.

Allele frequency attached by ClinVar (database versions not stated): gnomAD exomes below 0.00001; TOPMed below 0.00001.
gnomAD v4.1: 1 of 1,613,464 alleles (0.000062%); highest among the groups gnomAD compares: Non-Finnish European, 0.000085%; no homozygotes.

Submissions (3):

Ambry Genetics
Classification: Uncertain significance for Hereditary cancer-predisposing syndrome. Last evaluated: 2025-10-11. Review status: criteria provided, single submitter. Criteria: Ambry Variant Classification Scheme 2023. Collection method: clinical testing. Allele origin: germline.
Comment: The p.N919D variant (also known as c.2755A>G), located in coding exon 24 of the TSC2 gene, results from an A to G substitution at nucleotide position 2755. The asparagine at codon 919 is replaced by aspartic acid, an amino acid with highly similar properties. This amino acid position is conserved. In addition, the in silico prediction for this alteration is inconclusive. Since supporting evidence is limited at this time, the clinical significance of this alteration remains unclear.

Labcorp Genetics (formerly Invitae), Labcorp
Classification: Uncertain significance for Tuberous sclerosis 2. Last evaluated: 2024-01-24. Review status: criteria provided, single submitter. Criteria: Invitae Variant Classification Sherloc (09022015). Collection method: clinical testing. Allele origin: germline.
Comment: This sequence change replaces asparagine, which is neutral and polar, with aspartic acid, which is acidic and polar, at codon 919 of the TSC2 protein (p.Asn919Asp). This variant is not present in population databases (gnomAD no frequency). This variant has not been reported in the literature in individuals affected with TSC2-related conditions. ClinVar contains an entry for this variant (Variation ID: 2624599). Advanced modeling of protein sequence and biophysical properties (such as structural, functional, and spatial information, amino acid conservation, physicochemical variation, residue mobility, and thermodynamic stability) performed at Invitae indicates that this missense variant is not expected to disrupt TSC2 protein function with a negative predictive value of 95%. In summary, the available evidence is currently insufficient to determine the role of this variant in disease. Therefore, it has been classified as a Variant of Uncertain Significance.

Baylor Genetics
Classification: Uncertain significance for Isolated focal cortical dysplasia type II. Last evaluated: 2023-11-02. Review status: criteria provided, single submitter. Criteria: ACMG Guidelines, 2015. Collection method: clinical testing. Allele origin: unknown.